The following is an entry in ClinVar:

NM_012193.4(FZD4):c.379C>T (p.Arg127Cys)

Genes: FZD4 (frizzled class receptor 4; minus strand), PRSS23 (serine protease 23; plus strand). Cytogenetic location: 11q14.2.
Variant type: single nucleotide variant.
Coding change: c.379C>T on transcript NM_012193.4 (MANE Select); coding-DNA position 379, C replaced by T.
Protein change: p.Arg127Cys; replaces arginine 127 with cysteine.
Molecular consequence: missense variant. On other transcripts: non-coding transcript variant (2).
Genome position (GRCh38, 1-based): chr11:86,952,377, G>A on the plus strand (C>T on the coding strand, the complement: FZD4 is on the minus strand). VCF-style: chr11-86952377-G-A. GRCh37 (hg19) VCF-style: chr11-86663419-G-A.
Other names: short protein forms R127C.
Identifiers: ClinVar variation 882147 (VCV000882147.13), dbSNP rs376854255, ClinGen allele CA6218465.

ClinVar aggregate classification (germline): Conflicting classifications of pathogenicity. Review status: criteria provided, conflicting classifications (1 of 4 stars). 4 submissions from 4 submitters: Uncertain significance (2); Likely benign (1). 1 of the submissions does not count toward it. Last evaluated 2025-10-15.

Conditions:
Retinal dystrophy. Also called: Inherited retinal dystrophy. Identifiers: Orphanet 71862, MedGen C0854723, MeSH D058499, MONDO:0019118, HP:0000556.
Exudative vitreoretinopathy 1 (EVR1). Also called: FEVR, AUTOSOMAL DOMINANT; Familial exudative vitreoretinopathy, autosomal dominant; CRISWICK-SCHEPENS SYNDROME. Identifiers: Orphanet 891, Orphanet 90050, MedGen C1851402, MONDO:0007589, OMIM 133780.

Allele frequency attached by ClinVar (database versions not stated): gnomAD 0.00005; gnomAD exomes 0.00005 and 0.00009; TOPMed 0.00005; ExAC 0.00006; ESP Exome Variant Server 0.00008.
gnomAD v4.1: 146 of 1,614,054 alleles (0.009%); highest among the groups gnomAD compares: Non-Finnish European, 0.012%; no homozygotes.

Submissions (4):

Labcorp Genetics (formerly Invitae), Labcorp
Classification: Uncertain significance. Last evaluated: 2025-10-15. Review status: criteria provided, single submitter. Criteria: Invitae Variant Classification Sherloc (09022015). Collection method: clinical testing. Allele origin: germline.
Comment: This sequence change replaces arginine, which is basic and polar, with cysteine, which is neutral and slightly polar, at codon 127 of the FZD4 protein (p.Arg127Cys). This variant is present in population databases (rs376854255, gnomAD 0.01%). This variant has not been reported in the literature in individuals affected with FZD4-related conditions. ClinVar contains an entry for this variant (Variation ID: 882147). Invitae Evidence Modeling of protein sequence and biophysical properties (such as structural, functional, and spatial information, amino acid conservation, physicochemical variation, residue mobility, and thermodynamic stability) indicates that this missense variant is not expected to disrupt FZD4 protein function with a negative predictive value of 80%. In summary, the available evidence is currently insufficient to determine the role of this variant in disease. Therefore, it has been classified as a Variant of Uncertain Significance.

Blueprint Genetics
Classification: Uncertain significance. Last evaluated: 2023-12-11. Review status: criteria provided, single submitter. Criteria: ACMG Guidelines, 2015. Collection method: clinical testing. Allele origin: germline.

Illumina Laboratory Services, Illumina
Classification: Likely benign for Exudative vitreoretinopathy 1. Last evaluated: 2018-01-12. Review status: criteria provided, single submitter. Criteria: ICSL Variant Classification Criteria 13 December 2019. Collection method: clinical testing. Allele origin: germline.
Comment: This variant was observed in the ICSL laboratory as part of a predisposition screen in an ostensibly healthy population. It had not been previously curated by ICSL or reported in the Human Gene Mutation Database (HGMD: prior to June 1st, 2018), and was therefore a candidate for classification through an automated scoring system. Utilizing variant allele frequency, disease prevalence and penetrance estimates, and inheritance mode, an automated score was calculated to assess if this variant is too frequent to cause the disease. Based on the score and internal cut-off values, a variant classified as likely benign is not then subjected to further curation. The score for this variant resulted in a classification of likely benign for this disease.

Institute of Human Genetics, Univ. Regensburg, Univ. Regensburg
Classification: Uncertain significance for Retinal dystrophy. Last evaluated: 2017-01-01. Review status: no assertion criteria provided. Criteria: ACMG Guidelines, 2015. Collection method: clinical testing. Allele origin: germline. Affected: yes. Not counted in ClinVar's aggregate classification.